The following is an entry in ClinVar:

ClinVar aggregate classification (germline): Benign/Likely benign. Review status: criteria provided, multiple submitters, no conflicts (2 of 4 stars). 5 submissions from 5 submitters: Benign (3); Likely benign (2). Last evaluated 2026-01-26.

Conditions:
Dehydrated hereditary stomatocytosis with or without pseudohyperkalemia and/or perinatal edema (DHS1). Also called: Dehydrated hereditary stomatocytosis 1 with or without pseudohyperkalemia and/or perinatal edema; PSEUDOHYPERKALEMIA EDINBURGH; DEHYDRATED HEREDITARY STOMATOCYTOSIS AND PSEUDOHYPERKALEMIA; DEHYDRATED HEREDITARY STOMATOCYTOSIS WITH PSEUDOHYPERKALEMIA AND PERINATAL EDEMA; Pseudohyperkalemia, familial, 1, due to red cell leak. Identifiers: Orphanet 3202, MedGen C4551512, MONDO:0008689, OMIM 194380.
Lymphatic malformation 6 (LMPHM6). Also called: Lymphedema, hereditary, III; GENERALIZED LYMPHATIC DYSPLASIA OF FOTIOU; PIEZO1-related generalized lymphatic dysplasia with non-immune hydrops fetalis. Identifiers: Orphanet 568062, MedGen C4225184, MONDO:0014797, OMIM 616843.

Allele frequency attached by ClinVar (database versions not stated): gnomAD exomes 0.00085 and 0.00178; ExAC 0.00363; gnomAD 0.00900 and 0.00960; TOPMed 0.01019; 1000 Genomes Project 0.01158; 1000 Genomes Project 30x 0.01202.
gnomAD v4.1: 2,601 of 1,550,584 alleles (0.17%); highest among the groups gnomAD compares: African/African-American, 3.1%; 40 homozygotes.

Submissions (5):

Labcorp Genetics (formerly Invitae), Labcorp
Classification: Benign. Last evaluated: 2026-01-26. Review status: criteria provided, single submitter. Criteria: Invitae Variant Classification Sherloc (09022015). Collection method: clinical testing. Allele origin: germline.

Mayo Clinic Laboratories, Mayo Clinic
Classification: Likely benign. Last evaluated: 2025-11-13. Review status: criteria provided, single submitter. Criteria: ACMG Guidelines, 2015. Collection method: clinical testing. Allele origin: germline. Observed: 35 variant alleles.
Comment: BS2, BP4, BP7

ARUP Laboratories, Molecular Genetics and Genomics, ARUP Laboratories
Classification: Benign. Last evaluated: 2025-07-01. Review status: criteria provided, single submitter. Criteria: ARUP Molecular Germline Variant Investigation Process 2024. Collection method: clinical testing. Allele origin: germline.

Fulgent Genetics
Classification: Likely benign for Dehydrated hereditary stomatocytosis with or without pseudohyperkalemia and/or perinatal edema; Lymphatic malformation 6. Last evaluated: 2021-09-27. Review status: criteria provided, single submitter. Criteria: ACMG Guidelines, 2015. Collection method: clinical testing. Allele origin: unknown.

Breakthrough Genomics
Classification: Benign. Review status: criteria provided, single submitter. Criteria: ACMG Guidelines, 2015. Collection method: not provided. Allele origin: germline. Inheritance: Autosomal recessive inheritance. Affected: yes.

Literature cited by the submitters: PubMed 36122374 (cited by Mayo Clinic Laboratories, Mayo Clinic).

NM_001142864.4(PIEZO1):c.6294C>T (p.Tyr2098=)

Gene: PIEZO1 (piezo type mechanosensitive ion channel component 1 (Er blood group); minus strand). Cytogenetic location: 16q24.3.
Variant type: single nucleotide variant.
Coding change: c.6294C>T on transcript NM_001142864.4 (MANE Select); coding-DNA position 6294, C replaced by T.
Protein change: p.Tyr2098=; no amino-acid change (tyrosine 2098 retained).
Molecular consequence: synonymous variant.
Genome position (GRCh38, 1-based): chr16:88,719,831, G>A on the plus strand (C>T on the coding strand, the complement: PIEZO1 is on the minus strand). VCF-style: chr16-88719831-G-A. GRCh37 (hg19) VCF-style: chr16-88786239-G-A.
Other names: p.Tyr2098=.
Identifiers: ClinVar variation 780318 (VCV000780318.22), dbSNP rs35015310, ClinGen allele CA8231663.